The following is an entry in ClinVar:

ClinVar aggregate classification (germline): Conflicting classifications of pathogenicity. Review status: criteria provided, conflicting classifications (1 of 4 stars). 3 submissions from 3 submitters: Uncertain significance (2); Likely benign (1). Last evaluated 2025-11-12.

Conditions:
Cardiovascular phenotype. Identifiers: MedGen CN230736.

gnomAD v4.1: 34 of 1,545,498 alleles (0.0022%); highest among the groups gnomAD compares: East Asian, 0.074%; no homozygotes.

Submissions (3):

Labcorp Genetics (formerly Invitae), Labcorp
Classification: Uncertain significance. Last evaluated: 2025-11-12. Review status: criteria provided, single submitter. Criteria: Invitae Variant Classification Sherloc (09022015). Collection method: clinical testing. Allele origin: germline.
Comment: This sequence change replaces glycine, which is neutral and non-polar, with alanine, which is neutral and non-polar, at codon 3416 of the ZNF469 protein (p.Gly3416Ala). This variant is present in population databases (no rsID available, gnomAD 0.08%). This variant has not been reported in the literature in individuals affected with ZNF469-related conditions. ClinVar contains an entry for this variant (Variation ID: 1703449). An algorithm developed to predict the effect of missense changes on protein structure and function (PolyPhen-2) suggests that this variant is likely to be tolerated. In summary, the available evidence is currently insufficient to determine the role of this variant in disease. Therefore, it has been classified as a Variant of Uncertain Significance.

Ambry Genetics
Classification: Likely benign for Cardiovascular phenotype. Last evaluated: 2023-01-25. Review status: criteria provided, single submitter. Criteria: Ambry Variant Classification Scheme 2023. Collection method: clinical testing. Allele origin: germline.

GeneDx
Classification: Uncertain significance. Last evaluated: 2022-08-23. Review status: criteria provided, single submitter. Criteria: GeneDx Variant Classification Process June 2021. Collection method: clinical testing. Allele origin: germline. Affected: yes.
Comment: In silico analysis supports that this missense variant does not alter protein structure/function; Has not been previously published as pathogenic or benign to our knowledge

NM_001367624.2(ZNF469):c.10331G>C (p.Gly3444Ala)

Gene: ZNF469 (zinc finger protein 469; plus strand). Cytogenetic location: 16q24.2.
Variant type: single nucleotide variant.
Coding change: c.10331G>C on transcript NM_001367624.2 (MANE Select); coding-DNA position 10331, G replaced by C.
Protein change: p.Gly3444Ala; replaces glycine 3444 with alanine.
Molecular consequence: missense variant.
Genome position (GRCh38, 1-based): chr16:88,437,801, G>C. VCF-style: chr16-88437801-G-C. GRCh37 (hg19) VCF-style: chr16-88504209-G-C.
Other names: NM_001127464.1:c.10247G>C; short protein forms G3444A.
Identifiers: ClinVar variation 1703449 (VCV001703449.6), dbSNP rs530393871, ClinGen allele CA286386590.